The following is an entry in ClinVar:

ClinVar aggregate classification (germline): Uncertain significance. Review status: criteria provided, multiple submitters, no conflicts (2 of 4 stars). 2 submissions from 2 submitters: Uncertain significance (2). Last evaluated 2024-03-06.

Allele frequency attached by ClinVar (database versions not stated): gnomAD 0.00008 and 0.00015; TOPMed 0.00011; ESP Exome Variant Server 0.00015; ExAC 0.00017; 1000 Genomes Project 30x 0.00078; 1000 Genomes Project 0.00100.
gnomAD v4.1: 171 of 1,614,248 alleles (0.011%); highest among the groups gnomAD compares: East Asian, 0.15%; 3 homozygotes.

Submissions (2):

Blueprint Genetics
Classification: Uncertain significance. Last evaluated: 2024-03-06. Review status: criteria provided, single submitter. Criteria: ACMG Guidelines, 2015. Collection method: clinical testing. Allele origin: germline.

Labcorp Genetics (formerly Invitae), Labcorp
Classification: Uncertain significance. Last evaluated: 2022-07-19. Review status: criteria provided, single submitter. Criteria: Invitae Variant Classification Sherloc (09022015). Collection method: clinical testing. Allele origin: germline.
Comment: This sequence change replaces isoleucine, which is neutral and non-polar, with valine, which is neutral and non-polar, at codon 317 of the WARS2 protein (p.Ile317Val). This variant is present in population databases (rs75040541, gnomAD 0.2%). This variant has not been reported in the literature in individuals affected with WARS2-related conditions. ClinVar contains an entry for this variant (Variation ID: 1411807). Algorithms developed to predict the effect of missense changes on protein structure and function are either unavailable or do not agree on the potential impact of this missense change (SIFT: "Tolerated"; PolyPhen-2: "Probably Damaging"; Align-GVGD: "Class C0"). In summary, the available evidence is currently insufficient to determine the role of this variant in disease. Therefore, it has been classified as a Variant of Uncertain Significance.

NM_015836.4(WARS2):c.949A>G (p.Ile317Val)

Gene: WARS2 (tryptophanyl tRNA synthetase 2, mitochondrial; minus strand). Cytogenetic location: 1p12.
Variant type: single nucleotide variant.
Coding change: c.949A>G on transcript NM_015836.4 (MANE Select); coding-DNA position 949, A replaced by G.
Protein change: p.Ile317Val; replaces isoleucine 317 with valine.
Molecular consequence: missense variant. On other transcripts: 3 prime UTR variant (2).
Genome position (GRCh38, 1-based): chr1:119,033,045, T>C on the plus strand (A>G on the coding strand, the complement: WARS2 is on the minus strand). VCF-style: chr1-119033045-T-C. GRCh37 (hg19) VCF-style: chr1-119575668-T-C.
Other names: c.880A>G, p.Ile294Val (NM_001378226.1, NM_001378227.1); c.778A>G, p.Ile260Val (NM_001378228.1); c.691A>G, p.Ile231Val (NM_001378229.1); c.667A>G, p.Ile223Val (NM_001378230.1); c.*284A>G (NM_001378231.1); c.*315A>G (NM_201263.2); short protein forms I231V, I294V, I260V, I317V, I223V.
Identifiers: ClinVar variation 1411807 (VCV001411807.4), dbSNP rs75040541, ClinGen allele CA1035175.
Genomic context (GRCh38, chr1:119,033,045, plus strand): 5'-TTTGTAAAACCTTCTCTAAATGGTCCTTGTCCAGCTTCAGTTTTTCAATTTCACGCTTAA[T>C]TGGGGCAAACTTCTCAATCACAGCATCTGCCACGGCCAGCTTGTAGCGAGCAGTGTTCAT-3'
Protein context (NP_056651.1, residues 307-327): ADAVIEKFAP[Ile317Val]KREIEKLKLD